The following is an entry in ClinVar:

ClinVar aggregate classification (germline): Uncertain significance (1 of 4 stars; one submission).

Allele frequency attached by ClinVar (database versions not stated): gnomAD 0.00001; gnomAD exomes 0.00001; ExAC 0.00002.
gnomAD v4.1: 18 of 1,613,172 alleles (0.0011%); highest among the groups gnomAD compares: South Asian, 0.0077%; no homozygotes.

Submission:

Ambry Genetics
Classification: Uncertain significance. Last evaluated: 2023-08-25. Review status: criteria provided, single submitter. Criteria: Ambry Variant Classification Scheme 2023. Collection method: clinical testing. Allele origin: germline.
Comment: The p.A1590T variant (also known as c.4768G>A), located in coding exon 16 of the POLQ gene, results from a G to A substitution at nucleotide position 4768. The alanine at codon 1590 is replaced by threonine, an amino acid with similar properties. This amino acid position is conserved. In addition, this alteration is predicted to be tolerated by in silico analysis. Since supporting evidence is limited at this time, the clinical significance of this alteration remains unclear.

NM_199420.4(POLQ):c.4768G>A (p.Ala1590Thr)

Gene: POLQ (DNA polymerase theta; minus strand). Cytogenetic location: 3q13.33.
Variant type: single nucleotide variant.
Coding change: c.4768G>A on transcript NM_199420.4 (MANE Select); coding-DNA position 4768, G replaced by A.
Protein change: p.Ala1590Thr; replaces alanine 1590 with threonine.
Molecular consequence: missense variant.
Genome position (GRCh38, 1-based): chr3:121,488,163, C>T on the plus strand (G>A on the coding strand, the complement: POLQ is on the minus strand). VCF-style: chr3-121488163-C-T. GRCh37 (hg19) VCF-style: chr3-121207010-C-T.
Other names: short protein forms A1590T.
Identifiers: ClinVar variation 1742934 (VCV001742934.3), dbSNP rs768766161, ClinGen allele CA2562846.